The following is an entry in ClinVar:

ClinVar aggregate classification (germline): Uncertain significance (1 of 4 stars; one submission).

Conditions:
Cardiovascular phenotype. Identifiers: MedGen CN230736.

gnomAD v4.1: 7 of 1,610,110 alleles (0.00043%); highest among the groups gnomAD compares: Non-Finnish European, 0.00042%; no homozygotes.

Submission:

Ambry Genetics
Classification: Uncertain significance for Cardiovascular phenotype. Last evaluated: 2024-05-30. Review status: criteria provided, single submitter. Criteria: Ambry Variant Classification Scheme 2023. Collection method: clinical testing. Allele origin: germline.
Comment: The p.A2113V variant (also known as c.6338C>T), located in coding exon 26 of the APOB gene, results from a C to T substitution at nucleotide position 6338. The alanine at codon 2113 is replaced by valine, an amino acid with similar properties. This amino acid position is conserved. In addition, this alteration is predicted to be tolerated by in silico analysis. Based on the available evidence, the clinical significance of this variant remains unclear.

NM_000384.3(APOB):c.6338C>T (p.Ala2113Val)

Gene: APOB (apolipoprotein B; minus strand). Cytogenetic location: 2p24.1.
Variant type: single nucleotide variant.
Coding change: c.6338C>T on transcript NM_000384.3 (MANE Select); coding-DNA position 6338, C replaced by T.
Protein change: p.Ala2113Val; replaces alanine 2113 with valine.
Molecular consequence: missense variant.
Genome position (GRCh38, 1-based): chr2:21,010,530, G>A on the plus strand (C>T on the coding strand, the complement: APOB is on the minus strand). VCF-style: chr2-21010530-G-A. GRCh37 (hg19) VCF-style: chr2-21233402-G-A.
Other names: short protein forms A2113V.
Identifiers: ClinVar variation 3308051 (VCV003308051.1).
Genomic context (GRCh38, chr2:21,010,530, plus strand): 5'-CTCTCCCAATTGAATGAATTCAGATAATCATTAGCTTGCTGTGGGAGTTTTCCCAGGGCT[G>A]CTCTGTATTTTCTTACAAATTGATCAATATTGATGTGCTTCAGGTTTCTCTGTACGTTTT-3'
Protein context (NP_000375.3, residues 2103-2123): NIDQFVRKYR[Ala2113Val]ALGKLPQQAN